The following is an entry in ClinVar:

ClinVar aggregate classification (germline): Uncertain significance (1 of 4 stars; one submission).

Conditions:
Mucopolysaccharidosis, MPS-III-D (MPS3D). Also called: Mucopoly-saccharidosis type 3D; N-acetylglucosamine-6-sulfate sulfatase deficiency; MPS 3D; MPS IIID (Sanfilippo Syndrome Type D); MUCOPOLYSACCHARIDOSIS, TYPE IIID; N-ACETYLGLUCOSAMINE-6-SULFATASE DEFICIENCY. Identifiers: Orphanet 581, Orphanet 79272, MedGen C0086650, MONDO:0009658, OMIM 252940.

Allele frequency attached by ClinVar (database versions not stated): gnomAD exomes 0.00003 and 0.00006; TOPMed 0.00005; gnomAD 0.00007; ExAC 0.00002.
gnomAD v4.1: 92 of 1,471,648 alleles (0.0063%); highest among the groups gnomAD compares: Non-Finnish European, 0.0083%; no homozygotes.

Submission:

Labcorp Genetics (formerly Invitae), Labcorp
Classification: Uncertain significance for Mucopolysaccharidosis, MPS-III-D. Last evaluated: 2022-04-22. Review status: criteria provided, single submitter. Criteria: Invitae Variant Classification Sherloc (09022015). Collection method: clinical testing. Allele origin: germline.
Comment: This sequence change replaces lysine, which is basic and polar, with arginine, which is basic and polar, at codon 180 of the GNS protein (p.Lys180Arg). This variant is present in population databases (rs745307029, gnomAD 0.008%). This variant has not been reported in the literature in individuals affected with GNS-related conditions. Algorithms developed to predict the effect of missense changes on protein structure and function (SIFT, PolyPhen-2, Align-GVGD) all suggest that this variant is likely to be tolerated. In summary, the available evidence is currently insufficient to determine the role of this variant in disease. Therefore, it has been classified as a Variant of Uncertain Significance.

NM_002076.4(GNS):c.539A>G (p.Lys180Arg)

Gene: GNS (glucosamine (N-acetyl)-6-sulfatase; minus strand). Cytogenetic location: 12q14.3.
Variant type: single nucleotide variant.
Coding change: c.539A>G on transcript NM_002076.4 (MANE Select); coding-DNA position 539, A replaced by G.
Protein change: p.Lys180Arg; replaces lysine 180 with arginine.
Molecular consequence: missense variant.
Genome position (GRCh38, 1-based): chr12:64,744,894, T>C on the plus strand (A>G on the coding strand, the complement: GNS is on the minus strand). VCF-style: chr12-64744894-T-C. GRCh37 (hg19) VCF-style: chr12-65138674-T-C.
Other names: short protein forms K180R.
Identifiers: ClinVar variation 1376726 (VCV001376726.3), dbSNP rs745307029, ClinGen allele CA6669904.